The following is an entry in ClinVar:

ClinVar aggregate classification (germline): Likely benign (0 of 4 stars; one submission).

Conditions:
EP300-related disorder. Also called: EP300-related condition; EP300-related disorders.

Submission:

PreventionGenetics, part of Exact Sciences
Classification: Likely benign for EP300-related condition. Last evaluated: 2024-08-13. Review status: no assertion criteria provided. Collection method: clinical testing. Allele origin: germline.
Comment: This variant is classified as likely benign based on ACMG/AMP sequence variant interpretation guidelines (Richards et al. 2015 PMID: 25741868, with internal and published modifications).

NM_001429.4(EP300):c.2718T>G (p.Ser906=)

Gene: EP300 (E1A binding protein p300; plus strand). Cytogenetic location: 22q13.2.
Variant type: single nucleotide variant.
Coding change: c.2718T>G on transcript NM_001429.4 (MANE Select); coding-DNA position 2718, T replaced by G.
Protein change: p.Ser906=; no amino-acid change (serine 906 retained).
Molecular consequence: synonymous variant.
Genome position (GRCh38, 1-based): chr22:41,150,099, T>G. VCF-style: chr22-41150099-T-G. GRCh37 (hg19) VCF-style: chr22-41546103-T-G.
Other names: c.2640T>G, p.Ser880= (NM_001362843.2).
Identifiers: ClinVar variation 3345932 (VCV003345932.1).
Genomic context (GRCh38, chr22:41,150,099, plus strand): 5'-TACACCACCAACAACACAACTTCCCCAACAAGTGCAGCCTTCACTTCCTGCTGCACCTTC[T>G]GCTGACCAGCCCCAGCAGCAGCCTCGCTCACAGCAGAGCACAGCAGCGTCTGTTCCTACC-3'
Protein context (NP_001420.2, residues 896-916): QVQPSLPAAP[Ser906=]ADQPQQQPRS